The following is an entry in ClinVar:

NC_000006.11:g.(?_39876803)_(39902176_?)dup

Gene: MOCS1 (molybdenum cofactor synthesis 1; minus strand). Cytogenetic location: 6p21.2.
Variant type: Duplication.
Identifiers: ClinVar variation 1056053 (VCV001056053.3).

ClinVar aggregate classification (germline): Uncertain significance (1 of 4 stars; one submission).

Conditions:
Sulfite oxidase deficiency due to molybdenum cofactor deficiency type A. Also called: Molybdenum cofactor deficiency, complementation group A; Molybdenum Cofactor Deficiency A. Identifiers: Orphanet 308386, Orphanet 833, MedGen C1854988, MONDO:0009643, OMIM 252150.

Submission:

Labcorp Genetics (formerly Invitae), Labcorp
Classification: Uncertain significance for Sulfite oxidase deficiency due to molybdenum cofactor deficiency type A. Last evaluated: 2023-08-17. Review status: criteria provided, single submitter. Criteria: Invitae Variant Classification Sherloc (09022015). Collection method: clinical testing. Allele origin: germline.
Comment: This variant has not been reported in the literature in individuals affected with MOCS1-related conditions. A copy number gain of the genomic region encompassing the full coding sequence of the MOCS1 gene has been identified. The boundaries of this event are unknown as they extend beyond the assayed region for this gene and therefore may encompass additional genes. As the precise location of this event is unknown, it may be in tandem or it may be located elsewhere in the genome. In summary, the available evidence is currently insufficient to determine the role of this variant in disease. Therefore, it has been classified as a Variant of Uncertain Significance.